The following is an entry in ClinVar:

ClinVar aggregate classification (germline): Uncertain significance (1 of 4 stars; one submission).

Conditions:
Tuberous sclerosis 2 (TSC2). Identifiers: Orphanet 805, MedGen C1860707, MONDO:0013199, OMIM 613254.

Submission:

Labcorp Genetics (formerly Invitae), Labcorp
Classification: Uncertain significance for Tuberous sclerosis 2. Last evaluated: 2025-12-17. Review status: criteria provided, single submitter. Criteria: Invitae Variant Classification Sherloc (09022015). Collection method: clinical testing. Allele origin: germline.
Comment: This sequence change falls in intron 27 of the TSC2 gene. It does not directly change the encoded amino acid sequence of the TSC2 protein. It affects a nucleotide within the consensus splice site. This variant is not present in population databases (gnomAD no frequency). This variant has not been reported in the literature in individuals affected with TSC2-related conditions. Variants that disrupt the consensus splice site are a relatively common cause of aberrant splicing (PMID: 17576681, 9536098). Algorithms developed to predict the effect of sequence changes on RNA splicing suggest that this variant is not likely to affect RNA splicing. In summary, the available evidence is currently insufficient to determine the role of this variant in disease. Therefore, it has been classified as a Variant of Uncertain Significance.

Literature cited by the submitters: PubMed 17576681; PubMed 9536098.

NM_000548.5(TSC2):c.3131+6G>C

Gene: TSC2 (TSC complex subunit 2; plus strand). Cytogenetic location: 16p13.3.
Variant type: single nucleotide variant.
Coding change: c.3131+6G>C on transcript NM_000548.5 (MANE Select); 6 bases into the intron after coding-DNA position 3131, G replaced by C.
Molecular consequence: intron variant.
Genome position (GRCh38, 1-based): chr16:2,079,202, G>C. VCF-style: chr16-2079202-G-C. GRCh37 (hg19) VCF-style: chr16-2129203-G-C.
Other names: c.2852+6G>C (NM_001406679.1); c.2402+6G>C (NM_001406686.1, NM_001406685.1); c.3032+6G>C (NM_001318832.2); c.1658+6G>C (NM_001406693.1, NM_001406690.1, NM_001406692.1 and 1 more transcripts); c.3092+6G>C (NM_001406667.1); c.3089+6G>C (NM_001406668.1); c.2531+6G>C (NM_001406680.1, NM_001406683.1, NM_001406682.1); c.2399+6G>C (NM_001406687.1, NM_001318831.2, NM_001406688.1); and 18 more.
Identifiers: ClinVar variation 4733530 (VCV004733530.1).